The following is an entry in ClinVar:

NM_001042492.3(NF1):c.6491dup (p.Phe2165fs)

Gene: NF1 (neurofibromin 1; plus strand). Cytogenetic location: 17q11.2.
Variant type: Duplication.
Coding change: c.6491dup on transcript NM_001042492.3 (MANE Select); coding-DNA position 6491, one base duplicated (T; older notation c.6491dupT).
Protein change: p.Phe2165fs; shifts the reading frame from phenylalanine 2165.
Molecular consequence: frameshift variant.
Genome position (GRCh38, 1-based): chr17:31,337,431, T duplicated. VCF-style (leftmost placement, unchanged base first): chr17-31337430-C-CT. GRCh37 (hg19) VCF-style: chr17-29664448-C-CT.
Other names: c.6428dup, p.Phe2144Valfs (NM_000267.4); short protein forms F2165fs, F2144fs.
Identifiers: ClinVar variation 3658525 (VCV003658525.2).

ClinVar aggregate classification (germline): Pathogenic (1 of 4 stars; one submission).

Conditions:
Neurofibromatosis, type 1 (NF1). Also called: Peripheral type neurofibromatosis; VON RECKLINGHAUSEN DISEASE; NEUROFIBROMATOSIS, TYPE I, SOMATIC; Neurofibromatosis, type I. Identifiers: Orphanet 636, MedGen C0027831, MONDO:0018975, OMIM 162200. Disease mechanism: loss of function.

Submission:

Labcorp Genetics (formerly Invitae), Labcorp
Classification: Pathogenic for Neurofibromatosis, type 1. Last evaluated: 2024-07-02. Review status: criteria provided, single submitter. Criteria: Invitae Variant Classification Sherloc (09022015). Collection method: clinical testing. Allele origin: germline.
Comment: This sequence change creates a premature translational stop signal (p.Phe2144Valfs*4) in the NF1 gene. It is expected to result in an absent or disrupted protein product. Loss-of-function variants in NF1 are known to be pathogenic (PMID: 10712197, 23913538). This variant is not present in population databases (gnomAD no frequency). This variant has not been reported in the literature in individuals affected with NF1-related conditions. For these reasons, this variant has been classified as Pathogenic.

Literature cited by the submitters: PubMed 10712197; PubMed 23913538.